The following is an entry in ClinVar:

NM_006361.6(HOXB13):c.221C>T (p.Ser74Phe)

Gene: HOXB13 (homeobox B13; minus strand). Cytogenetic location: 17q21.32.
Variant type: single nucleotide variant.
Coding change: c.221C>T on transcript NM_006361.6 (MANE Select); coding-DNA position 221, C replaced by T.
Protein change: p.Ser74Phe; replaces serine 74 with phenylalanine.
Molecular consequence: missense variant.
Genome position (GRCh38, 1-based): chr17:48,728,373, G>A on the plus strand (C>T on the coding strand, the complement: HOXB13 is on the minus strand). VCF-style: chr17-48728373-G-A. GRCh37 (hg19) VCF-style: chr17-46805735-G-A.
Other names: short protein forms S74F.
Identifiers: ClinVar variation 690645 (VCV000690645.3), dbSNP rs1597934744, ClinGen allele CA400107896.

ClinVar aggregate classification (germline): Uncertain significance. Review status: criteria provided, single submitter (1 of 4 stars). 2 submissions from 2 submitters: Uncertain significance (1). 1 of the submissions does not count toward it. Last evaluated 2025-06-20.

Conditions:
Hereditary cancer-predisposing syndrome. Also called: Neoplastic Syndromes, Hereditary; Tumor predisposition; Hereditary neoplastic syndrome; Hereditary Cancer Syndrome. Identifiers: Orphanet 140162, MedGen C0027672, MeSH D009386, MONDO:0015356.
Prostate cancer, hereditary, 1 (HPC1). Identifiers: Orphanet 1331, MedGen C4722327, MONDO:0011098, OMIM 601518.

Submissions (2):

Ambry Genetics
Classification: Uncertain significance for Hereditary cancer-predisposing syndrome. Last evaluated: 2025-06-20. Review status: criteria provided, single submitter. Criteria: Ambry Variant Classification Scheme 2023. Collection method: clinical testing. Allele origin: germline.
Comment: The p.S74F variant (also known as c.221C>T), located in coding exon 1 of the HOXB13 gene, results from a C to T substitution at nucleotide position 221. The serine at codon 74 is replaced by phenylalanine, an amino acid with highly dissimilar properties. This amino acid position is conserved. In addition, this alteration is predicted to be tolerated by in silico analysis. Based on the available evidence, the clinical significance of this variant remains unclear.

Laboratory of Virology, Microbiology,  Quality and Medical Biotechnologies, Faculty of Sciences and Techniques - Mohammedia, Hassan II University of Casablanca
Classification: Uncertain significance for Prostate cancer, hereditary, 1. Review status: no assertion criteria provided. Collection method: clinical testing. Allele origin: somatic. Affected: yes. Not counted in ClinVar's aggregate classification.